The following is an entry in ClinVar:

ClinVar aggregate classification (germline): Uncertain significance (1 of 4 stars; one submission).

gnomAD v4.1: 32 of 1,525,494 alleles (0.0021%); highest among the groups gnomAD compares: Middle Eastern, 0.017%; no homozygotes.

Submission:

Labcorp Genetics (formerly Invitae), Labcorp
Classification: Uncertain significance. Last evaluated: 2025-09-19. Review status: criteria provided, single submitter. Criteria: Invitae Variant Classification Sherloc (09022015). Collection method: clinical testing. Allele origin: germline.
Comment: This sequence change creates a premature translational stop signal (p.Arg1516*) in the TET2 gene. While this is not anticipated to result in nonsense mediated decay, it is expected to disrupt the last 487 amino acid(s) of the TET2 protein. The frequency data for this variant in the population databases is considered unreliable, as metrics indicate poor data quality at this position in the gnomAD database. This premature translational stop signal has been observed in individual(s) with clinical features of TET2-related conditions (PMID: 32192357, 40031954). Experimental studies and prediction algorithms are not available or were not evaluated, and the functional significance of this variant is currently unknown. Algorithms developed to predict the effect of sequence changes on RNA splicing suggest that this variant may create or strengthen a splice site. In summary, the available evidence is currently insufficient to determine the role of this variant in disease. Therefore, it has been classified as a Variant of Uncertain Significance.

Literature cited by the submitters: PubMed 32192357; PubMed 40031954.

NM_001127208.3(TET2):c.4546C>T (p.Arg1516Ter)

Genes: TET2-AS1 (TET2 antisense RNA 1; minus strand), TET2 (tet methylcytosine dioxygenase 2; plus strand). Cytogenetic location: 4q24.
Variant type: single nucleotide variant.
Coding change: c.4546C>T on transcript NM_001127208.3 (MANE Select); coding-DNA position 4546, C replaced by T.
Protein change: p.Arg1516Ter; replaces arginine 1516 with a stop codon.
Molecular consequence: nonsense.
Genome position (GRCh38, 1-based): chr4:105,275,056, C>T. VCF-style: chr4-105275056-C-T. GRCh37 (hg19) VCF-style: chr4-106196213-C-T.
Other names: short protein forms R1516*.
Identifiers: ClinVar variation 4698262 (VCV004698262.1).